The following is an entry in ClinVar:

ClinVar aggregate classification (germline): Uncertain significance (1 of 4 stars; one submission).

Submission:

Labcorp Genetics (formerly Invitae), Labcorp
Classification: Uncertain significance. Last evaluated: 2022-12-31. Review status: criteria provided, single submitter. Criteria: Invitae Variant Classification Sherloc (09022015). Collection method: clinical testing. Allele origin: germline.
Comment: This sequence change replaces valine, which is neutral and non-polar, with leucine, which is neutral and non-polar, at codon 1470 of the LRP5 protein (p.Val1470Leu). This variant is not present in population databases (gnomAD no frequency). This variant has not been reported in the literature in individuals affected with LRP5-related conditions. Advanced modeling of protein sequence and biophysical properties (such as structural, functional, and spatial information, amino acid conservation, physicochemical variation, residue mobility, and thermodynamic stability) performed at Invitae indicates that this missense variant is not expected to disrupt LRP5 protein function. In summary, the available evidence is currently insufficient to determine the role of this variant in disease. Therefore, it has been classified as a Variant of Uncertain Significance.

NM_002335.4(LRP5):c.4408G>T (p.Val1470Leu)

Gene: LRP5 (LDL receptor related protein 5; plus strand). Cytogenetic location: 11q13.2.
Variant type: single nucleotide variant.
Coding change: c.4408G>T on transcript NM_002335.4 (MANE Select); coding-DNA position 4408, G replaced by T.
Protein change: p.Val1470Leu; replaces valine 1470 with leucine.
Molecular consequence: missense variant.
Genome position (GRCh38, 1-based): chr11:68,439,836, G>T. VCF-style: chr11-68439836-G-T. GRCh37 (hg19) VCF-style: chr11-68207304-G-T.
Other names: c.2665G>T, p.Val889Leu (NM_001291902.2); short protein forms V1470L, V889L.
Identifiers: ClinVar variation 2987904 (VCV002987904.3), dbSNP rs1193720992, ClinGen allele CA381616077.